The following is an entry in ClinVar:

NM_004104.5(FASN):c.6373C>T (p.Arg2125Trp)

Gene: FASN (fatty acid synthase; minus strand). Cytogenetic location: 17q25.3.
Variant type: single nucleotide variant.
Coding change: c.6373C>T on transcript NM_004104.5 (MANE Select); coding-DNA position 6373, C replaced by T.
Protein change: p.Arg2125Trp; replaces arginine 2125 with tryptophan.
Molecular consequence: missense variant.
Genome position (GRCh38, 1-based): chr17:82,081,634, G>A on the plus strand (C>T on the coding strand, the complement: FASN is on the minus strand). VCF-style: chr17-82081634-G-A. GRCh37 (hg19) VCF-style: chr17-80039510-G-A.
Other names: short protein forms R2125W.
Identifiers: ClinVar variation 531122 (VCV000531122.15), dbSNP rs141141382, ClinGen allele CA8851331.
Genomic context (GRCh38, chr17:82,081,634, plus strand): 5'-GGCGCGGCTCCTACTGGGAGTGCTCACCCAGGATGTGTGCCACGGCCTCCACCAGGTCCC[G>A]CTGGCTGTCCCTGTCCCTATAGGCCGCAGCCTTCTCAGCCAGCACAAAGCTGCTCAGGAC-3'
Protein context (NP_004095.4, residues 2115-2135): AAAYRDRDSQ[Arg2125Trp]DLVEAVAHIL

ClinVar aggregate classification (germline): Likely benign. Review status: criteria provided, single submitter (1 of 4 stars). 2 submissions from 2 submitters: Likely benign (1). 1 of the submissions does not count toward it. Last evaluated 2025-12-23.

Conditions:
Epileptic encephalopathy. Identifiers: MedGen C0543888, HP:0200134.
FASN-related disorder. Also called: FASN-related condition.

Allele frequency attached by ClinVar (database versions not stated): ExAC 0.00085; TOPMed 0.00088; gnomAD 0.00091 and 0.00098; 1000 Genomes Project 30x 0.00141; 1000 Genomes Project 0.00160; ESP Exome Variant Server 0.00192.
gnomAD v4.1: 2,544 of 1,612,650 alleles (0.16%); highest among the groups gnomAD compares: Non-Finnish European, 0.2%; 4 homozygotes.

Submissions (3):

Labcorp Genetics (formerly Invitae), Labcorp
Classification: Likely benign for Epileptic encephalopathy. Last evaluated: 2025-12-23. Review status: criteria provided, single submitter. Criteria: Invitae Variant Classification Sherloc (09022015). Collection method: clinical testing. Allele origin: germline.

PreventionGenetics, part of Exact Sciences
Classification: Likely benign for FASN-related condition. Last evaluated: 2022-01-31. Review status: no assertion criteria provided. Collection method: clinical testing. Allele origin: germline. Not counted in ClinVar's aggregate classification.
Comment: This variant is classified as likely benign based on ACMG/AMP sequence variant interpretation guidelines (Richards et al. 2015 PMID: 25741868, with internal and published modifications).

Dr. Peter K. Rogan Lab, Western University
No classification provided (evidence only). Condition: Malignant tumor of urinary bladder. Review status: no classification provided. Collection method: in vitro. Allele origin: not applicable. Functional consequence: retained intron. Not counted in ClinVar's aggregate classification.